The following is an entry in ClinVar:

ClinVar aggregate classification (germline): Pathogenic. Review status: criteria provided, multiple submitters, no conflicts (2 of 4 stars). 3 submissions from 3 submitters: Pathogenic (3). Last evaluated 2025-09-26.

Conditions:
Retinal dystrophy. Also called: Inherited retinal dystrophy. Identifiers: Orphanet 71862, MedGen C0854723, MeSH D058499, MONDO:0019118, HP:0000556.
Retinitis pigmentosa 38 (RP38). Also called: ROD-CONE DYSTROPHY, CHILDHOOD-ONSET. Identifiers: Orphanet 791, MedGen C3151228, MONDO:0013469, OMIM 613862.

Allele frequency attached by ClinVar (database versions not stated): gnomAD exomes 0.00001; ExAC 0.00002.
gnomAD v4.1: 12 of 1,614,046 alleles (0.00074%); highest among the groups gnomAD compares: Admixed American, 0.0033%; no homozygotes.

Submissions (3):

3billion
Classification: Pathogenic for Retinitis pigmentosa 38. Last evaluated: 2025-09-26. Review status: criteria provided, single submitter. Criteria: ACMG Guidelines, 2015. Collection method: clinical testing. Allele origin: germline. Affected: yes.
Comment: The variant is observed at an extremely low frequency in the gnomAD v4.1.0 dataset (total allele frequency: <0.001%). Predicted Consequence/Location: Missense variant. The majority of the known disease-causing variants of this gene are variants expected to result in premature termination of the protein. In silico tool predictions suggest damaging effect of the variant on gene or gene product [REVEL: 0.83 (>=0.6, sensitivity 0.68 and specificity 0.92); 3Cnet: 0.96 (> 0.75, sensitivity 0.96 and precision 0.92)]. The same nucleotide change resulting in the same amino acid change has been previously reported as pathogenic/likely pathogenic with strong evidence (ClinVar ID: VCV002971429 /PMID: 31736247). Different missense changes at the same codon (p.Arg844Cys, p.Arg844Pro) have been reported as pathogenic/likely pathogenic with strong evidence (ClinVar ID: VCV000801738 /PMID: 15111602, 21217109). Therefore, this variant is classified as Pathogenic according to the recommendation of ACMG/AMP guideline.

Labcorp Genetics (formerly Invitae), Labcorp
Classification: Pathogenic. Last evaluated: 2024-07-29. Review status: criteria provided, single submitter. Criteria: Invitae Variant Classification Sherloc (09022015). Collection method: clinical testing. Allele origin: germline.
Comment: This sequence change replaces arginine, which is basic and polar, with histidine, which is basic and polar, at codon 844 of the MERTK protein (p.Arg844His). This variant is present in population databases (rs746671363, gnomAD 0.004%). This missense change has been observed in individual(s) with retinitis pigmentosa (PMID: 31736247; Invitae). In at least one individual the data is consistent with being in trans (on the opposite chromosome) from a pathogenic variant. Advanced modeling of protein sequence and biophysical properties (such as structural, functional, and spatial information, amino acid conservation, physicochemical variation, residue mobility, and thermodynamic stability) performed at Invitae indicates that this missense variant is expected to disrupt MERTK protein function with a positive predictive value of 80%. This variant disrupts the p.Arg844Cys amino acid residue in MERTK. Other variant(s) that disrupt this residue have been determined to be pathogenic (PMID: 15111602, 28462455). This suggests that this residue is clinically significant, and that variants that disrupt this residue are likely to be disease-causing. For these reasons, this variant has been classified as Pathogenic.

Institute of Human Genetics, Univ. Regensburg, Univ. Regensburg
Classification: Pathogenic for Retinal dystrophy. Last evaluated: 2021-01-01. Review status: criteria provided, single submitter. Criteria: ACMG Guidelines, 2015. Collection method: clinical testing. Allele origin: germline. Affected: yes.

Literature cited by the submitters: PubMed 15111602 (cited by 3billion and Labcorp Genetics (formerly Invitae), Labcorp); PubMed 31736247 (cited by 3 submitters); PubMed 28462455 (cited by Labcorp Genetics (formerly Invitae), Labcorp).

NM_006343.3(MERTK):c.2531G>A (p.Arg844His)

Gene: MERTK (MER proto-oncogene, tyrosine kinase; plus strand). Cytogenetic location: 2q13.
Variant type: single nucleotide variant.
Coding change: c.2531G>A on transcript NM_006343.3 (MANE Select); coding-DNA position 2531, G replaced by A.
Protein change: p.Arg844His; replaces arginine 844 with histidine.
Molecular consequence: missense variant.
Genome position (GRCh38, 1-based): chr2:112,028,395, G>A. VCF-style: chr2-112028395-G-A. GRCh37 (hg19) VCF-style: chr2-112785972-G-A.
Other names: short protein forms R844H.
Identifiers: ClinVar variation 2971429 (VCV002971429.5), dbSNP rs746671363, ClinGen allele CA1831921.
Genomic context (GRCh38, chr2:112,028,395, plus strand): 5'-TCTTTTTAACTTTCAGGTATGAAATAATGTACTCTTGCTGGAGAACCGATCCCTTAGACC[G>A]CCCCACCTTTTCAGTATTGAGGCTGCAGCTAGAAAAACTCTTAGAAAGTTTGCCTGACGT-3'
Protein context (NP_006334.2, residues 834-854): YSCWRTDPLD[Arg844His]PTFSVLRLQL